The following is an entry in ClinVar:

ClinVar aggregate classification (germline): Likely pathogenic (1 of 4 stars; one submission).

Conditions:
Chorioretinal coloboma. Identifiers: MedGen C0240896, HP:0000567.

Submission:

Genetics Department, University Hospital of Toulouse
Classification: Likely pathogenic for Chorioretinal coloboma. Last evaluated: 2022-10-15. Review status: criteria provided, single submitter. Criteria: ACMG Guidelines, 2015. Collection method: clinical testing. Allele origin: germline. Affected: yes.
Comment: LP (PS2, PM1, PM2, PP3)

NM_003106.4(SOX2):c.154T>C (p.Ser52Pro)

Genes: SOX2 (SRY-box transcription factor 2; plus strand), SOX2-OT (SOX2 overlapping transcript; plus strand), LOC108281177 (SOX2 5' regulatory region; plus strand). Cytogenetic location: 3q26.33.
Variant type: single nucleotide variant.
Coding change: c.154T>C on transcript NM_003106.4 (MANE Select); coding-DNA position 154, T replaced by C.
Protein change: p.Ser52Pro; replaces serine 52 with proline.
Molecular consequence: missense variant.
Genome position (GRCh38, 1-based): chr3:181,712,514, T>C. VCF-style: chr3-181712514-T-C. GRCh37 (hg19) VCF-style: chr3-181430302-T-C.
Other names: short protein forms S52P.
Identifiers: ClinVar variation 1710347 (VCV001710347.1), dbSNP rs2108521642, ClinGen allele CA355473244.